The following is an entry in ClinVar:

ClinVar aggregate classification (germline): Uncertain significance (1 of 4 stars; one submission).

Conditions:
Hypermethioninemia with deficiency of S-adenosylhomocysteine hydrolase. Identifiers: Orphanet 88618, MedGen C3151058, MONDO:0013404, OMIM 613752.

Submission:

Labcorp Genetics (formerly Invitae), Labcorp
Classification: Uncertain significance for Hypermethioninemia with deficiency of S-adenosylhomocysteine hydrolase. Last evaluated: 2022-06-07. Review status: criteria provided, single submitter. Criteria: Invitae Variant Classification Sherloc (09022015). Collection method: clinical testing. Allele origin: germline.
Comment: This variant is not present in population databases (gnomAD no frequency). In summary, the available evidence is currently insufficient to determine the role of this variant in disease. Therefore, it has been classified as a Variant of Uncertain Significance. Algorithms developed to predict the effect of missense changes on protein structure and function are either unavailable or do not agree on the potential impact of this missense change (SIFT: "Not Available"; PolyPhen-2: "Benign"; Align-GVGD: "Not Available"). This variant has not been reported in the literature in individuals affected with AHCY-related conditions. This sequence change replaces isoleucine, which is neutral and non-polar, with valine, which is neutral and non-polar, at codon 12 of the AHCY protein (p.Ile12Val).

NM_000687.4(AHCY):c.34A>G (p.Ile12Val)

Gene: AHCY (adenosylhomocysteinase; minus strand). Cytogenetic location: 20q11.22.
Variant type: single nucleotide variant.
Coding change: c.34A>G on transcript NM_000687.4 (MANE Select); coding-DNA position 34, A replaced by G.
Protein change: p.Ile12Val; replaces isoleucine 12 with valine.
Molecular consequence: missense variant. On other transcripts: 5 prime UTR variant (3).
Genome position (GRCh38, 1-based): chr20:34,295,580, T>C on the plus strand (A>G on the coding strand, the complement: AHCY is on the minus strand). VCF-style: chr20-34295580-T-C. GRCh37 (hg19) VCF-style: chr20-32883386-T-C.
Other names: c.-51A>G (NM_001161766.2, NM_001322084.2, NM_001322085.2); c.40A>G, p.Ile14Val (NM_001322086.2); c.34A>G, p.Ile12Val (NM_001362750.2); short protein forms I12V, I14V.
Identifiers: ClinVar variation 1967529 (VCV001967529.5), dbSNP rs1032227320, ClinGen allele CA313354734.
Genomic context (GRCh38, chr20:34,295,580, plus strand): 5'-GGCCCGGCATCTCGTTCTCAGCAATGTCCAGGGCCTTGCGTCCCCAGGCAGCCAGGCCGA[T>C]GTCGGCTACGGGAGGAAACAGGTGGGAGTTCCGTGAGTCCCCTCATCCCACCAACCAAGA-3'
Protein context (NP_000678.1, residues 2-22): SDKLPYKVAD[Ile12Val]GLAAWGRKAL